The following is an entry in ClinVar:

NM_000088.4(COL1A1):c.1269C>T (p.Pro423=)

Gene: COL1A1 (collagen type I alpha 1 chain; minus strand). Cytogenetic location: 17q21.33.
Variant type: single nucleotide variant.
Coding change: c.1269C>T on transcript NM_000088.4 (MANE Select); coding-DNA position 1269, C replaced by T.
Protein change: p.Pro423=; no amino-acid change (proline 423 retained).
Molecular consequence: synonymous variant.
Genome position (GRCh38, 1-based): chr17:50,195,262, G>A on the plus strand (C>T on the coding strand, the complement: COL1A1 is on the minus strand). VCF-style: chr17-50195262-G-A. GRCh37 (hg19) VCF-style: chr17-48272623-G-A.
Identifiers: ClinVar variation 456732 (VCV000456732.70), dbSNP rs149301001, ClinGen allele CA8645328.

ClinVar aggregate classification (germline): Conflicting classifications of pathogenicity. Review status: criteria provided, conflicting classifications (1 of 4 stars). 13 submissions from 11 submitters: Uncertain significance (1); Benign (2); Likely benign (8). 2 of the submissions do not count toward it. Last evaluated 2026-01-22.

Conditions:
Ehlers-Danlos syndrome, arthrochalasia type. Also called: Ehlers-Danlos syndrome, arthrochalasis type; Ehlers-Danlos syndrome, arthrochalasia type, 1; ARTHROCHALASIS MULTIPLEX CONGENITA; EDS VII, MUTANT PROCOLLAGEN TYPE; EDS VIIA. Identifiers: Orphanet 1899, Orphanet 99875, Orphanet 99876, MedGen C4551623, MONDO:0007525, OMIM 130060.
Osteogenesis imperfecta (OI). Identifiers: Orphanet 666, MedGen C0029434, MeSH D010013, MONDO:0019019.
Infantile cortical hyperostosis. Also called: Caffey Disease; P1PK BLOOD GROUP SYSTEM, P(2) PHENOTYPE; Hyperostosis, Cortical, Congenital. Identifiers: Orphanet 1310, MedGen C0020497, MONDO:0007244, OMIM 114000.
Osteogenesis imperfecta type I (OI1). Also called: OI, TYPE I; OSTEOGENESIS IMPERFECTA TARDA; OSTEOGENESIS IMPERFECTA WITH BLUE SCLERAE; Osteogenesis imperfecta type 1; Lobstein's Disease; Classic Non-deforming Osteogenesis Imperfecta with Blue Sclerae. Identifiers: Orphanet 216796, Orphanet 666, MedGen C0023931, MONDO:0008146, OMIM 166200. Disease mechanism: loss of function.
Ehlers-Danlos syndrome (EDS). Identifiers: Orphanet 98249, MedGen C0013720, MONDO:0020066.
Cardiovascular phenotype. Identifiers: MedGen CN230736.

Allele frequency attached by ClinVar (database versions not stated): ESP Exome Variant Server 0.00015; gnomAD 0.00019; 1000 Genomes Project 0.00020; ExAC 0.00024; TOPMed 0.00026; gnomAD exomes 0.00028 and 0.00034; 1000 Genomes Project 30x 0.00031.

Submissions (13):

Labcorp Genetics (formerly Invitae), Labcorp
Classification: Likely benign for Osteogenesis imperfecta type I. Last evaluated: 2026-01-22. Review status: criteria provided, single submitter. Criteria: Invitae Variant Classification Sherloc (09022015). Collection method: clinical testing. Allele origin: germline.

CeGaT Center for Human Genetics Tuebingen
Classification: Likely benign. Last evaluated: 2025-12-01. Review status: criteria provided, single submitter. Criteria: CeGaT Center For Human Genetics Tuebingen Variant Classification Criteria Version 2. Collection method: clinical testing. Allele origin: germline. Affected: yes. Observed: 2 variant alleles.
Comment: COL1A1: BP4

Women's Health and Genetics/Laboratory Corporation of America, LabCorp
Classification: Benign. Last evaluated: 2025-11-24. Review status: criteria provided, single submitter. Criteria: LabCorp Variant Classification Summary - May 2015. Collection method: clinical testing. Allele origin: germline.

Blueprint Genetics
Classification: Likely benign. Last evaluated: 2024-04-30. Review status: criteria provided, single submitter. Criteria: ACMG Guidelines, 2015. Collection method: clinical testing. Allele origin: germline.

ARUP Laboratories, Molecular Genetics and Genomics, ARUP Laboratories
Classification: Likely benign. Last evaluated: 2023-08-15. Review status: criteria provided, single submitter. Criteria: ARUP Molecular Germline Variant Investigation Process 2024. Collection method: clinical testing. Allele origin: germline.

Genome Diagnostics Laboratory, The Hospital for Sick Children
Classification: Likely benign for Ehlers-Danlos syndrome. Last evaluated: 2021-02-05. Review status: criteria provided, single submitter. Criteria: ACMG Guidelines, 2015. Collection method: clinical testing. Allele origin: germline.

GeneDx
Classification: Likely benign. Last evaluated: 2020-11-04. Review status: criteria provided, single submitter. Criteria: GeneDx Variant Classification Process June 2021. Collection method: clinical testing. Allele origin: germline. Affected: yes.

Ambry Genetics
Classification: Likely benign for Cardiovascular phenotype. Last evaluated: 2019-04-19. Review status: criteria provided, single submitter. Criteria: Ambry Variant Classification Scheme 2023. Collection method: clinical testing. Allele origin: germline.

Illumina Laboratory Services, Illumina
Classification: Likely benign for Osteogenesis imperfecta. Last evaluated: 2018-01-13. Review status: criteria provided, single submitter. Criteria: ICSL Variant Classification Criteria 13 December 2019. Collection method: clinical testing. Allele origin: germline.
Comment: This variant was observed in the ICSL laboratory as part of a predisposition screen in an ostensibly healthy population. It had not been previously curated by ICSL or reported in the Human Gene Mutation Database (HGMD: prior to June 1st, 2018), and was therefore a candidate for classification through an automated scoring system. Utilizing variant allele frequency, disease prevalence and penetrance estimates, and inheritance mode, an automated score was calculated to assess if this variant is too frequent to cause the disease. Based on the score and internal cut-off values, a variant classified as likely benign is not then subjected to further curation. The score for this variant resulted in a classification of likely benign for this disease.

Illumina Laboratory Services, Illumina
Classification: Benign for Ehlers-Danlos syndrome, arthrochalasia type. Last evaluated: 2018-01-13. Review status: criteria provided, single submitter. Criteria: ICSL Variant Classification Criteria 13 December 2019. Collection method: clinical testing. Allele origin: germline.
Comment: This variant was observed in the ICSL laboratory as part of a predisposition screen in an ostensibly healthy population. It had not been previously curated by ICSL or reported in the Human Gene Mutation Database (HGMD: prior to June 1st, 2018), and was therefore a candidate for classification through an automated scoring system. Utilizing variant allele frequency, disease prevalence and penetrance estimates, and inheritance mode, an automated score was calculated to assess if this variant is too frequent to cause the disease. Based on the score and internal cut-off values, a variant classified as benign is not then subjected to further curation. The score for this variant resulted in a classification of benign for this disease.

Illumina Laboratory Services, Illumina
Classification: Uncertain significance for Infantile cortical hyperostosis. Last evaluated: 2018-01-13. Review status: criteria provided, single submitter. Criteria: ICSL Variant Classification Criteria 13 December 2019. Collection method: clinical testing. Allele origin: germline.

Clinical Genetics DNA and cytogenetics Diagnostics Lab, Erasmus MC, Erasmus Medical Center
Classification: Likely benign. Review status: no assertion criteria provided. Collection method: clinical testing. Allele origin: germline. Affected: yes. Study: VKGL Data-share Consensus. Not counted in ClinVar's aggregate classification.

Genome Diagnostics Laboratory, Amsterdam University Medical Center
Classification: Likely benign. Review status: no assertion criteria provided. Collection method: clinical testing. Allele origin: germline. Affected: yes. Study: VKGL Data-share Consensus. Not counted in ClinVar's aggregate classification.